The following is an entry in ClinVar:

ClinVar aggregate classification (germline): Uncertain significance (1 of 4 stars; one submission).

Conditions:
Polycystic kidney disease, adult type (PKD1). Also called: POLYCYSTIC KIDNEY DISEASE, ADULT, TYPE I; Polycystic Kidney Disease 1, Autosomal Dominant; Polycystic kidney disease 1; Polycystic kidney disease 1, severe; Polycystic Kidney, Autosomal Dominant; POLYCYSTIC KIDNEY DISEASE 1 WITH OR WITHOUT POLYCYSTIC LIVER DISEASE. Identifiers: MedGen C3149841, MONDO:0008263, OMIM 173900.

Submission:

Juno Genomics, Hangzhou Juno Genomics, Inc
Classification: Uncertain significance for Polycystic kidney disease, adult type. Review status: criteria provided, single submitter. Criteria: ACMG Guidelines, 2015. Collection method: clinical testing. Allele origin: germline. Affected: yes.
Comment: Absent from controls (or at extremely low frequency if recessive) in Genome Aggregation Database, Exome Sequencing Project, 1000 Genomes Project, or Exome Aggregation Consortium.

NM_001009944.3(PKD1):c.12029G>T (p.Arg4010Leu)

Gene: PKD1 (polycystin 1, transient receptor potential channel interacting; minus strand). Cytogenetic location: 16p13.3.
Variant type: single nucleotide variant.
Coding change: c.12029G>T on transcript NM_001009944.3 (MANE Select); coding-DNA position 12029, G replaced by T.
Protein change: p.Arg4010Leu; replaces arginine 4010 with leucine.
Molecular consequence: missense variant.
Genome position (GRCh38, 1-based): chr16:2,090,783, C>A on the plus strand (G>T on the coding strand, the complement: PKD1 is on the minus strand). VCF-style: chr16-2090783-C-A. GRCh37 (hg19) VCF-style: chr16-2140784-C-A.
Other names: c.12026G>T, p.Arg4009Leu (NM_000296.4); short protein forms R4009L, R4010L.
Identifiers: ClinVar variation 3383069 (VCV003383069.2).